The following is an entry in ClinVar:

NM_006269.2(RP1):c.5175A>G (p.Gln1725=)

Genes: RP1 (RP1 axonemal microtubule associated; plus strand), LOC126860392 (CDK7 strongly-dependent group 2 enhancer GRCh37_chr8:55541319-55542518; plus strand). Cytogenetic location: 8q12.1.
Variant type: single nucleotide variant.
Coding change: c.5175A>G on transcript NM_006269.2 (MANE Select); coding-DNA position 5175, A replaced by G.
Protein change: p.Gln1725=; no amino-acid change (glutamine 1725 retained).
Molecular consequence: synonymous variant.
Genome position (GRCh38, 1-based): chr8:54,629,057, A>G. VCF-style: chr8-54629057-A-G. GRCh37 (hg19) VCF-style: chr8-55541617-A-G.
Identifiers: ClinVar variation 95355 (VCV000095355.29), dbSNP rs441800, ClinGen allele CA148467.

ClinVar aggregate classification (germline): Benign. Review status: criteria provided, multiple submitters, no conflicts (2 of 4 stars). 9 submissions from 9 submitters: Benign (7). 2 of the submissions do not count toward it. Last evaluated 2026-02-03.

Conditions:
Retinal dystrophy. Also called: Inherited retinal dystrophy. Identifiers: Orphanet 71862, MedGen C0854723, MeSH D058499, MONDO:0019118, HP:0000556.
Retinitis pigmentosa (RP). Identifiers: Orphanet 791, MedGen C0035334, MeSH D012174, MONDO:0019200, OMIM 268000. Inheritance: Autosomal dominant, autosomal recessive and X linked inheritance.
Retinitis pigmentosa 1 (RP1). Identifiers: Orphanet 791, MedGen C0220701, MONDO:0008377, OMIM 180100.

Allele frequency attached by ClinVar (database versions not stated): ESP Exome Variant Server 0.20022; gnomAD 0.20759 and 0.21367; TOPMed 0.21742; 1000 Genomes Project 30x 0.23345; 1000 Genomes Project 0.24081; ExAC 0.25111; gnomAD exomes 0.25555 and 0.25780.
gnomAD v4.1: 405,915 of 1,613,962 alleles (25%); highest among the groups gnomAD compares: East Asian, 41%; 53,549 homozygotes.

Submissions (9):

Labcorp Genetics (formerly Invitae), Labcorp
Classification: Benign. Last evaluated: 2026-02-03. Review status: criteria provided, single submitter. Criteria: Invitae Variant Classification Sherloc (09022015). Collection method: clinical testing. Allele origin: germline.

Dept Of Ophthalmology, Nagoya University
Classification: Benign for Retinal dystrophy. Last evaluated: 2023-10-01. Review status: criteria provided, single submitter. Criteria: Submitter's publication. Collection method: research. Allele origin: germline. Affected: yes.

Genome-Nilou Lab
Classification: Benign for Retinitis pigmentosa 1. Last evaluated: 2021-11-07. Review status: criteria provided, single submitter. Criteria: ACMG Guidelines, 2015. Collection method: clinical testing. Allele origin: germline. Affected: no.

GeneDx
Classification: Benign. Last evaluated: 2019-11-13. Review status: criteria provided, single submitter. Criteria: GeneDx Variant Classification Process June 2021. Collection method: clinical testing. Allele origin: germline. Affected: yes.

Illumina Laboratory Services, Illumina
Classification: Benign for Retinitis pigmentosa. Last evaluated: 2018-01-13. Review status: criteria provided, single submitter. Criteria: ICSL Variant Classification Criteria 13 December 2019. Collection method: clinical testing. Allele origin: germline.
Comment: This variant was observed in the ICSL laboratory as part of a predisposition screen in an ostensibly healthy population. It had not been previously curated by ICSL or reported in the Human Gene Mutation Database (HGMD: prior to June 1st, 2018), and was therefore a candidate for classification through an automated scoring system. Utilizing variant allele frequency, disease prevalence and penetrance estimates, and inheritance mode, an automated score was calculated to assess if this variant is too frequent to cause the disease. Based on the score and internal cut-off values, a variant classified as benign is not then subjected to further curation. The score for this variant resulted in a classification of benign for this disease.

Eurofins Ntd Llc (ga)
Classification: Benign. Last evaluated: 2013-09-13. Review status: criteria provided, single submitter. Criteria: EGL Classification Definitions 2015. Collection method: clinical testing. Allele origin: germline. Observed: 6 variant alleles, 4 heterozygotes, 2 homozygotes.

Breakthrough Genomics
Classification: Benign. Review status: criteria provided, single submitter. Criteria: ACMG Guidelines, 2015. Collection method: not provided. Allele origin: germline. Inheritance: Autosomal dominant inheritance. Affected: yes.

Diagnostic Laboratory, Department of Genetics, University Medical Center Groningen
Classification: Benign. Review status: no assertion criteria provided. Collection method: clinical testing. Allele origin: germline. Affected: yes. Study: VKGL Data-share Consensus. Not counted in ClinVar's aggregate classification.

Joint Genome Diagnostic Labs from Nijmegen and Maastricht, Radboudumc and MUMC+
Classification: Benign. Review status: no assertion criteria provided. Collection method: clinical testing. Allele origin: germline. Affected: yes. Study: VKGL Data-share Consensus. Not counted in ClinVar's aggregate classification.